The following is an entry in ClinVar:

NM_198578.4(LRRK2):c.2701_2702delinsCT (p.Ser901Leu)

Gene: LRRK2 (leucine rich repeat kinase 2; plus strand). Cytogenetic location: 12q12.
Variant type: Indel.
Coding change: c.2701_2702delinsCT on transcript NM_198578.4 (MANE Select); coding-DNA positions 2701 to 2702, TC replaced by CT.
Protein change: p.Ser901Leu; replaces serine 901 with leucine.
Molecular consequence: missense variant.
Genome position (GRCh38, 1-based): chr12:40,293,556-40,293,557, TC replaced by CT. VCF-style: chr12-40293556-TC-CT. GRCh37 (hg19) VCF-style: chr12-40687358-TC-CT.
Other names: c.2701_2702delTCinsCT (NM_198578.3); c.2701_2702delinsCT (NM_198578.3); short protein forms S901L.
Identifiers: ClinVar variation 465215 (VCV000465215.9), dbSNP rs1555184069, ClinGen allele CA658658135.

ClinVar aggregate classification (germline): Uncertain significance. Review status: criteria provided, single submitter (1 of 4 stars). 2 submissions from 2 submitters: Uncertain significance (1). 1 of the submissions does not count toward it. Last evaluated 2024-12-08.

Conditions:
Autosomal dominant Parkinson disease 8. Also called: LRRK2-Related Parkinson Disease; Parkinson disease 8; Parkinson disease 8, susceptibility to. Identifiers: Orphanet 411602, MedGen C1846862, MONDO:0011764, OMIM 607060.
LRRK2-related disorder. Also called: LRRK2-related condition.

Submissions (2):

Labcorp Genetics (formerly Invitae), Labcorp
Classification: Uncertain significance for Autosomal dominant Parkinson disease 8. Last evaluated: 2024-12-08. Review status: criteria provided, single submitter. Criteria: Invitae Variant Classification Sherloc (09022015). Collection method: clinical testing. Allele origin: germline.
Comment: This sequence change replaces serine, which is neutral and polar, with leucine, which is neutral and non-polar, at codon 901 of the LRRK2 protein (p.Ser901Leu). This variant is present in population databases (no rsID available, gnomAD 0.0004%). This missense change has been observed in individual(s) with sleep behavior disorder (PMID: 29576439). ClinVar contains an entry for this variant (Variation ID: 465215). An algorithm developed to predict the effect of missense changes on protein structure and function (PolyPhen-2) suggests that this variant is likely to be disruptive. In summary, the available evidence is currently insufficient to determine the role of this variant in disease. Therefore, it has been classified as a Variant of Uncertain Significance.

PreventionGenetics, part of Exact Sciences
Classification: Uncertain significance for LRRK2-related condition. Last evaluated: 2024-02-02. Review status: no assertion criteria provided. Collection method: clinical testing. Allele origin: germline. Not counted in ClinVar's aggregate classification.
Comment: The LRRK2 c.2701_2702delinsCT variant is predicted to result in an in-frame deletion and insertion. To our knowledge, this variant has not been reported in the literature or in a large population database, indicating this variant is rare. At this time, the clinical significance of this variant is uncertain due to the absence of conclusive functional and genetic evidence.

Literature cited by the submitters: PubMed 29576439 (cited by Labcorp Genetics (formerly Invitae), Labcorp).